The following is an entry in ClinVar:

NM_000092.5(COL4A4):c.26T>C (p.Met9Thr)

Gene: COL4A4 (collagen type IV alpha 4 chain; minus strand). Cytogenetic location: 2q36.3.
Variant type: single nucleotide variant.
Coding change: c.26T>C on transcript NM_000092.5 (MANE Select); coding-DNA position 26, T replaced by C.
Protein change: p.Met9Thr; replaces methionine 9 with threonine.
Molecular consequence: missense variant.
Genome position (GRCh38, 1-based): chr2:227,147,458, A>G on the plus strand (T>C on the coding strand, the complement: COL4A4 is on the minus strand). VCF-style: chr2-227147458-A-G. GRCh37 (hg19) VCF-style: chr2-228012174-A-G.
Other names: short protein forms M9T.
Identifiers: ClinVar variation 2186581 (VCV002186581.4), dbSNP rs1440047357, ClinGen allele CA350842843.

ClinVar aggregate classification (germline): Uncertain significance (1 of 4 stars; one submission).

Submission:

Labcorp Genetics (formerly Invitae), Labcorp
Classification: Uncertain significance. Last evaluated: 2022-03-27. Review status: criteria provided, single submitter. Criteria: Invitae Variant Classification Sherloc (09022015). Collection method: clinical testing. Allele origin: germline.
Comment: Advanced modeling of protein sequence and biophysical properties (such as structural, functional, and spatial information, amino acid conservation, physicochemical variation, residue mobility, and thermodynamic stability) performed at Invitae indicates that this missense variant is not expected to disrupt COL4A4 protein function. This variant has not been reported in the literature in individuals affected with COL4A4-related conditions. This variant is not present in population databases (gnomAD no frequency). This sequence change replaces methionine, which is neutral and non-polar, with threonine, which is neutral and polar, at codon 9 of the COL4A4 protein (p.Met9Thr). In summary, the available evidence is currently insufficient to determine the role of this variant in disease. Therefore, it has been classified as a Variant of Uncertain Significance.